The following is an entry in ClinVar:

NM_001370100.5(ZMYND11):c.799G>A (p.Ala267Thr)

Gene: ZMYND11 (zinc finger MYND-type containing 11; plus strand). Cytogenetic location: 10p15.3.
Variant type: single nucleotide variant.
Coding change: c.799G>A on transcript NM_001370100.5 (MANE Select); coding-DNA position 799, G replaced by A.
Protein change: p.Ala267Thr; replaces alanine 267 with threonine.
Molecular consequence: missense variant. On other transcripts: non-coding transcript variant (1), intron variant (1).
Genome position (GRCh38, 1-based): chr10:240,938, G>A. VCF-style: chr10-240938-G-A. GRCh37 (hg19) VCF-style: chr10-286878-G-A.
Other names: c.637G>A, p.Ala213Thr (NM_001202464.3, NM_001202467.1, NM_001370103.2 and 6 more transcripts); c.544G>A, p.Ala182Thr (NM_001202465.3, NM_001370110.2); c.634G>A, p.Ala212Thr (NM_001202466.3, NM_001370111.2); c.799G>A, p.Ala267Thr (NM_001202468.1, NM_001370097.3, NM_001370098.2 and 5 more transcripts); c.748G>A, p.Ala250Thr (NM_001330057.3, NM_001370112.2); c.706G>A, p.Ala236Thr (NM_001370113.2, NM_001370114.2); c.796G>A, p.Ala266Thr (NM_001370115.2, NM_212479.4); c.733G>A, p.Ala245Thr (NM_001370116.2); and 7 more; short protein forms A110T, A148T, A165T, A173T, A182T, A191T, A212T, A213T.
Identifiers: ClinVar variation 4810637 (VCV004810637.1).

ClinVar aggregate classification (germline): Uncertain significance (1 of 4 stars; one submission).

Submission:

Labcorp Genetics (formerly Invitae), Labcorp
Classification: Uncertain significance. Last evaluated: 2025-12-15. Review status: criteria provided, single submitter. Criteria: Invitae Variant Classification Sherloc (09022015). Collection method: clinical testing. Allele origin: germline.
Comment: This sequence change replaces alanine, which is neutral and non-polar, with threonine, which is neutral and polar, at codon 267 of the ZMYND11 protein (p.Ala267Thr). This variant is not present in population databases (gnomAD no frequency). This variant has not been reported in the literature in individuals affected with ZMYND11-related conditions. Invitae Evidence Modeling of protein sequence and biophysical properties (such as structural, functional, and spatial information, amino acid conservation, physicochemical variation, residue mobility, and thermodynamic stability) indicates that this missense variant is not expected to disrupt ZMYND11 protein function with a negative predictive value of 80%. In summary, the available evidence is currently insufficient to determine the role of this variant in disease. Therefore, it has been classified as a Variant of Uncertain Significance.